The following is an entry in ClinVar:

NM_014491.4(FOXP2):c.1980G>A (p.Pro660=)

Gene: FOXP2 (forkhead box P2; plus strand). Cytogenetic location: 7q31.1.
Variant type: single nucleotide variant.
Coding change: c.1980G>A on transcript NM_014491.4 (MANE Select); coding-DNA position 1980, G replaced by A.
Protein change: p.Pro660=; no amino-acid change (proline 660 retained).
Molecular consequence: synonymous variant. On other transcripts: non-coding transcript variant (2).
Genome position (GRCh38, 1-based): chr7:114,664,413, G>A. VCF-style: chr7-114664413-G-A. GRCh37 (hg19) VCF-style: chr7-114304468-G-A.
Other names: c.1977G>A, p.Pro659= (NM_001172766.3); c.2055G>A, p.Pro685= (NM_148898.4); c.2031G>A, p.Pro677= (NM_148900.4).
Identifiers: ClinVar variation 3389079 (VCV003389079.14).

ClinVar aggregate classification (germline): Likely benign (1 of 4 stars; one submission).

gnomAD v4.1: 41 of 1,613,316 alleles (0.0025%); highest among the groups gnomAD compares: Non-Finnish European, 0.0032%; no homozygotes.

Submission:

CeGaT Center for Human Genetics Tuebingen
Classification: Likely benign. Last evaluated: 2024-09-01. Review status: criteria provided, single submitter. Criteria: CeGaT Center For Human Genetics Tuebingen Variant Classification Criteria Version 2. Collection method: clinical testing. Allele origin: germline. Affected: yes. Observed: 1 variant allele.
Comment: FOXP2: BP4, BP7